The following is an entry in ClinVar:

ClinVar aggregate classification (germline): Pathogenic/Likely pathogenic. Review status: criteria provided, multiple submitters, no conflicts (2 of 4 stars). 3 submissions from 3 submitters: Pathogenic (2); Likely pathogenic (1). Last evaluated 2024-09-17.

Conditions:
Maple syrup urine disease type 1A (MSUD1A). Also called: MSUD type 1A. Identifiers: MedGen C1855369, MONDO:0023691, OMIM 248600.
Maple syrup urine disease (MSUD). Identifiers: Orphanet 511, MedGen C0024776, MeSH D008375, MONDO:0009563. Disease mechanism: loss of function.

Allele frequency attached by ClinVar (database versions not stated): gnomAD exomes below 0.00001 and 0.00001; ExAC 0.00002.
gnomAD v4.1: 3 of 1,613,496 alleles (0.00019%); highest among the groups gnomAD compares: Non-Finnish European, 0.00025%; no homozygotes.

Submissions (3):

Natera, Inc.
Classification: Likely pathogenic for Maple syrup urine disease type 1A. Last evaluated: 2024-09-17. Review status: criteria provided, single submitter. Criteria: Natera Variant Classification Schema (03/2026). Collection method: clinical testing. Allele origin: germline.
Comment: The c.476G>A variant in BCKDHA is a missense variant predicted to cause substitution of arginine to glutamine at amino acid 159. This variant is rare in the general population with a frequency below the threshold expected for the associated phenotype(s). This variant has been observed in one or more individuals affected with the associated recessive disease, as either homozygous or compound heterozygous with a second variant (PMID: 33996182, 31980395, 26257134). This variant has been identified in one or more affected individual with a phenotype highly consistent with the associated gene (PMID: 33996182). Computational prediction algorithms indicate this variant is likely to affect gene or protein function. Given the available evidence, this variant is classified as Likely Pathogenic.

Baylor Genetics
Classification: Pathogenic for Maple syrup urine disease type 1A. Last evaluated: 2024-02-28. Review status: criteria provided, single submitter. Criteria: ACMG Guidelines, 2015. Collection method: clinical testing. Allele origin: unknown.

Institute of Medical Genetics and Genomics, Sir Ganga Ram Hospital
Classification: Pathogenic for Maple syrup urine disease type 1A. Last evaluated: 2012-01-01. Review status: criteria provided, single submitter. Criteria: Submitter's publication. Collection method: research. Allele origin: paternal. Affected: yes. Observed: 1 variant allele. Study: Organic Acidurias.

Literature cited by the submitters: PubMed 33996182 (cited by Natera, Inc.); PubMed 31980395 (cited by Natera, Inc.); PubMed 26257134 (cited by Natera, Inc.).

NM_000709.4(BCKDHA):c.476G>A (p.Arg159Gln)

Gene: BCKDHA (branched chain keto acid dehydrogenase E1 subunit alpha; plus strand). Cytogenetic location: 19q13.2.
Variant type: single nucleotide variant.
Coding change: c.476G>A on transcript NM_000709.4 (MANE Select); coding-DNA position 476, G replaced by A.
Protein change: p.Arg159Gln; replaces arginine 159 with glutamine.
Molecular consequence: missense variant.
Genome position (GRCh38, 1-based): chr19:41,414,149, G>A. VCF-style: chr19-41414149-G-A. GRCh37 (hg19) VCF-style: chr19-41920054-G-A.
Other names: c.476G>A, p.Arg159Gln (NM_001164783.2); short protein forms R159Q.
Identifiers: ClinVar variation 204378 (VCV000204378.4), dbSNP rs773048903, ClinGen allele CA354907.
Genomic context (GRCh38, chr19:41,414,149, plus strand): 5'-GCACGCACGTGGGGAGTGCCGCCGCCCTGGACAACACGGACCTGGTGTTTGGCCAGTACC[G>A]GGAGGCAGGTACGTCTGTCCGTGGTTTGGCCCTGTGGTCCCCATTGAAGTGTACACTTTA-3'
Protein context (NP_000700.1, residues 149-169): DNTDLVFGQY[Arg159Gln]EAGVLMYRDY